The following is an entry in ClinVar:

NM_001104631.2(PDE4D):c.1476T>G (p.Ile492Met)

Gene: PDE4D (phosphodiesterase 4D; minus strand). Cytogenetic location: 5q11.2.
Variant type: single nucleotide variant.
Coding change: c.1476T>G on transcript NM_001104631.2 (MANE Select); coding-DNA position 1476, T replaced by G.
Protein change: p.Ile492Met; replaces isoleucine 492 with methionine.
Molecular consequence: missense variant.
Genome position (GRCh38, 1-based): chr5:58,988,569, A>C on the plus strand (T>G on the coding strand, the complement: PDE4D is on the minus strand). VCF-style: chr5-58988569-A-C. GRCh37 (hg19) VCF-style: chr5-58284396-A-C.
Other names: c.1293T>G, p.Ile431Met (NM_001165899.2, NM_001364599.1); c.1284T>G, p.Ile428Met (NM_001197218.2); c.1110T>G, p.Ile370Met (NM_001197219.2); c.1086T>G, p.Ile362Met (NM_001197220.2); c.570T>G, p.Ile190Met (NM_001197221.2, NM_001364603.1); c.804T>G, p.Ile268Met (NM_001197222.2); c.603T>G, p.Ile201Met (NM_001197223.2); c.1263T>G, p.Ile421Met (NM_001349241.2); and 3 more; short protein forms I190M, I201M, I236M, I428M, I356M, I431M, I492M, I268M.
Identifiers: ClinVar variation 932066 (VCV000932066.3), dbSNP rs1379060456, ClinGen allele CA359816864.

ClinVar aggregate classification (germline): Uncertain significance (1 of 4 stars; one submission).

Conditions:
Acrodysostosis 2 with or without hormone resistance. Also called: ACRODYSOSTOSIS 2 WITH HORMONE RESISTANCE; ACRODYSOSTOSIS 2 WITHOUT HORMONE RESISTANCE. Identifiers: Orphanet 280651, MedGen C3553250, MONDO:0013822, OMIM 614613.

Allele frequency attached by ClinVar (database versions not stated): gnomAD 0.00001; TOPMed 0.00001.
gnomAD v4.1: 6 of 1,494,804 alleles (0.0004%); highest among the groups gnomAD compares: Non-Finnish European, 0.00054%; no homozygotes.

Submission:

Centre for Mendelian Genomics, University Medical Centre Ljubljana
Classification: Uncertain significance for Acrodysostosis 2 with or without hormone resistance. Last evaluated: 2016-01-01. Review status: criteria provided, single submitter. Criteria: ACMG Guidelines, 2015. Collection method: clinical testing. Allele origin: unknown. Affected: yes.
Comment: This variant was classified as: Uncertain significance. The following ACMG criteria were applied in classifying this variant: PM2,PP3,PP4.